The following is an entry in ClinVar:

NM_003482.4(KMT2D):c.8743C>T (p.Arg2915Ter)

Gene: KMT2D (lysine methyltransferase 2D; minus strand). Cytogenetic location: 12q13.12.
Variant type: single nucleotide variant.
Coding change: c.8743C>T on transcript NM_003482.4 (MANE Select); coding-DNA position 8743, C replaced by T.
Protein change: p.Arg2915Ter; replaces arginine 2915 with a stop codon.
Molecular consequence: nonsense.
Genome position (GRCh38, 1-based): chr12:49,038,613, G>A on the plus strand (C>T on the coding strand, the complement: KMT2D is on the minus strand). VCF-style: chr12-49038613-G-A. GRCh37 (hg19) VCF-style: chr12-49432396-G-A.
Other names: short protein forms R2915*.
Identifiers: ClinVar variation 158790 (VCV000158790.15), dbSNP rs587783729, ClinGen allele CA271664.

ClinVar aggregate classification (germline): Pathogenic/Likely pathogenic. Review status: criteria provided, multiple submitters, no conflicts (2 of 4 stars). 6 submissions from 6 submitters: Pathogenic (3); Likely pathogenic (1). 2 of the submissions do not count toward it. Last evaluated 2025-05-13.

Conditions:
Kabuki syndrome. Also called: Kabuki make-up syndrome; NIIKAWA-KUROKI SYNDROME. Identifiers: Orphanet 2322, MedGen C0796004, MONDO:0016512.
Kabuki syndrome 1 (KABUK1). Also called: KMT2D-Related Kabuki Syndrome. Identifiers: Orphanet 2322, MedGen CN030661, MONDO:0007843, OMIM 147920.

Allele frequency attached by ClinVar (database versions not stated): gnomAD exomes below 0.00001.
gnomAD v4.1: 2 of 1,612,886 alleles (0.00012%); highest among the groups gnomAD compares: Non-Finnish European, 0.00017%; no homozygotes.

Submissions (6):

GeneDx
Classification: Pathogenic. Last evaluated: 2025-05-13. Review status: criteria provided, single submitter. Criteria: GeneDx Variant Classification Process June 2021. Collection method: clinical testing. Allele origin: germline. Affected: yes.
Comment: Nonsense variant predicted to result in protein truncation or nonsense mediated decay in a gene for which loss of function is a known mechanism of disease; This variant is associated with the following publications: (PMID: 27302555, 26841933, 25972376, 24633898, 35904121, 25142838, 36901871, 36475376, 31727177, 38649797, 21607748)

Labcorp Genetics (formerly Invitae), Labcorp
Classification: Pathogenic for Kabuki syndrome. Last evaluated: 2021-06-20. Review status: criteria provided, single submitter. Criteria: Invitae Variant Classification Sherloc (09022015). Collection method: clinical testing. Allele origin: germline.
Comment: This sequence change creates a premature translational stop signal (p.Arg2915*) in the KMT2D gene. It is expected to result in an absent or disrupted protein product. Loss-of-function variants in KMT2D are known to be pathogenic (PMID: 22126750). This variant is not present in population databases (ExAC no frequency). This premature translational stop signal has been observed in individual(s) with Kabuki syndrome (PMID: 21607748). ClinVar contains an entry for this variant (Variation ID: 158790). For these reasons, this variant has been classified as Pathogenic.

Center for Human Genetics, Inc
Classification: Likely pathogenic for Kabuki syndrome 1. Last evaluated: 2016-11-01. Review status: criteria provided, single submitter. Criteria: ACMG Guidelines, 2015. Collection method: clinical testing. Allele origin: germline. Affected: yes.

Genetic Services Laboratory, University of Chicago
Classification: Pathogenic for Kabuki syndrome 1. Last evaluated: 2013-02-08. Review status: criteria provided, single submitter. Criteria: ACMG Guidelines, 2007. Collection method: clinical testing. Allele origin: germline. Inheritance: Autosomal dominant inheritance. Affected: yes.

Autoinflammatory diseases unit, CHU de Montpellier
Classification: Pathogenic for Kabuki syndrome 1. Last evaluated: 2018-12-03. Review status: no assertion criteria provided. Collection method: clinical testing. Allele origin: de novo. Affected: yes. Not counted in ClinVar's aggregate classification.

Shaikh Laboratory, University of Colorado
Classification: Likely pathogenic for Kabuki make-up syndrome. Last evaluated: 2015-02-04. Review status: no assertion criteria provided. Criteria: research. Collection method: research. Allele origin: unknown. Affected: yes. Not counted in ClinVar's aggregate classification.

Literature cited by the submitters: PubMed 22126750 (cited by Labcorp Genetics (formerly Invitae), Labcorp); PubMed 21607748 (cited by Labcorp Genetics (formerly Invitae), Labcorp); PubMed 25972376 (cited by Autoinflammatory diseases unit, CHU de Montpellier and Shaikh Laboratory, University of Colorado).